The following is an entry in ClinVar:

NM_001017995.3(SH3PXD2B):c.1256C>A (p.Ala419Asp)

Gene: SH3PXD2B (SH3 and PX domains 2B; minus strand). Cytogenetic location: 5q35.1.
Variant type: single nucleotide variant.
Coding change: c.1256C>A on transcript NM_001017995.3 (MANE Select); coding-DNA position 1256, C replaced by A.
Protein change: p.Ala419Asp; replaces alanine 419 with aspartic acid.
Molecular consequence: missense variant. On other transcripts: intron variant (1).
Genome position (GRCh38, 1-based): chr5:172,339,849, G>T on the plus strand (C>A on the coding strand, the complement: SH3PXD2B is on the minus strand). VCF-style: chr5-172339849-G-T. GRCh37 (hg19) VCF-style: chr5-171766853-G-T.
Other names: c.1188+6287C>A (NM_001308175.2); short protein forms A419D.
Identifiers: ClinVar variation 3369514 (VCV003369514.1).

ClinVar aggregate classification (germline): Uncertain significance (1 of 4 stars; one submission).

Submission:

GeneDx
Classification: Uncertain significance. Last evaluated: 2024-02-23. Review status: criteria provided, single submitter. Criteria: GeneDx Variant Classification Process June 2021. Collection method: clinical testing. Allele origin: germline. Affected: yes.
Comment: Not observed at significant frequency in large population cohorts (gnomAD); In silico analysis supports that this missense variant has a deleterious effect on protein structure/function; Has not been previously published as pathogenic or benign to our knowledge